The following is an entry in ClinVar:

NM_022552.5(DNMT3A):c.640-3827G>A

Genes: DNMT3A (DNA methyltransferase 3 alpha; minus strand), LOC129933288 (ATAC-STARR-seq lymphoblastoid silent region 11249; plus strand). Cytogenetic location: 2p23.3.
Variant type: single nucleotide variant.
Coding change: c.640-3827G>A on transcript NM_022552.5 (MANE Select); 3827 bases into the intron before coding-DNA position 640, G replaced by A.
Molecular consequence: intron variant. On other transcripts: missense variant (1).
Genome position (GRCh38, 1-based): chr2:25,252,079, C>T on the plus strand (G>A on the coding strand, the complement: DNMT3A is on the minus strand). VCF-style: chr2-25252079-C-T. GRCh37 (hg19) VCF-style: chr2-25474948-C-T.
Other names: c.16G>A, p.Ala6Thr (NM_001320893.1); c.640-3827G>A (NM_175629.2); c.4+115G>A (NM_153759.3); c.-31+115G>A (NM_001375819.1); short protein forms A6T.
Identifiers: ClinVar variation 3353928 (VCV003353928.1).

ClinVar aggregate classification (germline): Uncertain significance (0 of 4 stars; one submission).

Conditions:
DNMT3A-related disorder. Also called: DNMT3A-related disorders; DNMT3A-related condition.

gnomAD v4.1: 6 of 1,344,468 alleles (0.00045%); highest among the groups gnomAD compares: Non-Finnish European, 0.0006%; no homozygotes.

Submission:

PreventionGenetics, part of Exact Sciences
Classification: Uncertain significance for DNMT3A-related condition. Last evaluated: 2023-10-20. Review status: no assertion criteria provided. Collection method: clinical testing. Allele origin: germline.
Comment: The DNMT3A c.16G>A variant is predicted to result in the amino acid substitution p.Ala6Thr. To our knowledge, this variant has not been reported in the literature or in a large population database, indicating this variant is rare. At this time, the clinical significance of this variant is uncertain due to the absence of conclusive functional and genetic evidence.